The following is an entry in ClinVar:

NM_005334.3(HCFC1):c.4022G>C (p.Gly1341Ala)

Gene: HCFC1 (host cell factor C1; minus strand). Cytogenetic location: Xq28.
Variant type: single nucleotide variant.
Coding change: c.4022G>C on transcript NM_005334.3 (MANE Select); coding-DNA position 4022, G replaced by C.
Protein change: p.Gly1341Ala; replaces glycine 1341 with alanine.
Molecular consequence: missense variant.
Genome position (GRCh38, 1-based): chrX:153,954,377, C>G on the plus strand (G>C on the coding strand, the complement: HCFC1 is on the minus strand). VCF-style: chrX-153954377-C-G. GRCh37 (hg19) VCF-style: chrX-153219828-C-G.
Other names: c.4022G>C, p.Gly1341Ala (NM_001410705.1); short protein forms G1341A.
Identifiers: ClinVar variation 3251161 (VCV003251161.18), dbSNP rs2521538022.

ClinVar aggregate classification (germline): Uncertain significance (1 of 4 stars; one submission).

Submission:

CeGaT Center for Human Genetics Tuebingen
Classification: Uncertain significance. Last evaluated: 2024-06-01. Review status: criteria provided, single submitter. Criteria: CeGaT Center For Human Genetics Tuebingen Variant Classification Criteria Version 2. Collection method: clinical testing. Allele origin: germline. Affected: yes. Observed: 1 variant allele.
Comment: HCFC1: PM2, BP4